The following is an entry in ClinVar:

NM_001197104.2(KMT2A):c.10496A>T (p.Glu3499Val)

Gene: KMT2A (lysine methyltransferase 2A; plus strand). Cytogenetic location: 11q23.3.
Variant type: single nucleotide variant.
Coding change: c.10496A>T on transcript NM_001197104.2 (MANE Select); coding-DNA position 10496, A replaced by T.
Protein change: p.Glu3499Val; replaces glutamic acid 3499 with valine.
Molecular consequence: missense variant.
Genome position (GRCh38, 1-based): chr11:118,506,388, A>T. VCF-style: chr11-118506388-A-T. GRCh37 (hg19) VCF-style: chr11-118377103-A-T.
Other names: c.10586A>T, p.Glu3529Val (NM_001412597.1); c.10487A>T, p.Glu3496Val (NM_005933.4); short protein forms E3499V, E3496V, E3529V.
Identifiers: ClinVar variation 2766152 (VCV002766152.3), dbSNP rs1950583763, ClinGen allele CA382825977.

ClinVar aggregate classification (germline): Uncertain significance (1 of 4 stars; one submission).

Submission:

Labcorp Genetics (formerly Invitae), Labcorp
Classification: Uncertain significance. Last evaluated: 2023-11-24. Review status: criteria provided, single submitter. Criteria: Invitae Variant Classification Sherloc (09022015). Collection method: clinical testing. Allele origin: germline.
Comment: This sequence change replaces glutamic acid, which is acidic and polar, with valine, which is neutral and non-polar, at codon 3499 of the KMT2A protein (p.Glu3499Val). This variant is not present in population databases (gnomAD no frequency). This variant has not been reported in the literature in individuals affected with KMT2A-related conditions. Advanced modeling of protein sequence and biophysical properties (such as structural, functional, and spatial information, amino acid conservation, physicochemical variation, residue mobility, and thermodynamic stability) performed at Invitae indicates that this missense variant is not expected to disrupt KMT2A protein function with a negative predictive value of 95%. In summary, the available evidence is currently insufficient to determine the role of this variant in disease. Therefore, it has been classified as a Variant of Uncertain Significance.